The following is an entry in ClinVar:

ClinVar aggregate classification (germline): Uncertain significance (1 of 4 stars; one submission).

Allele frequency attached by ClinVar (database versions not stated): TOPMed below 0.00001.

Submission:

Ambry Genetics
Classification: Uncertain significance. Last evaluated: 2024-03-03. Review status: criteria provided, single submitter. Criteria: Ambry Variant Classification Scheme 2023. Collection method: clinical testing. Allele origin: germline.
Comment: The p.W1429C variant (also known as c.4287G>T), located in coding exon 12 of the MLH3 gene, results from a G to T substitution at nucleotide position 4287. The tryptophan at codon 1429 is replaced by cysteine, an amino acid with highly dissimilar properties. This amino acid position is conserved. In addition, this alteration is predicted to be deleterious by in silico analysis. Since supporting evidence is limited at this time, the clinical significance of this alteration remains unclear.

NM_001040108.2(MLH3):c.4287G>T (p.Trp1429Cys)

Gene: MLH3 (mutL homolog 3; minus strand). Cytogenetic location: 14q24.3.
Variant type: single nucleotide variant.
Coding change: c.4287G>T on transcript NM_001040108.2 (MANE Select); coding-DNA position 4287, G replaced by T.
Protein change: p.Trp1429Cys; replaces tryptophan 1429 with cysteine.
Molecular consequence: missense variant.
Genome position (GRCh38, 1-based): chr14:75,017,157, C>A on the plus strand (G>T on the coding strand, the complement: MLH3 is on the minus strand). VCF-style: chr14-75017157-C-A. GRCh37 (hg19) VCF-style: chr14-75483860-C-A.
Other names: c.4215G>T, p.Trp1405Cys (NM_014381.3); short protein forms W1429C, W1405C.
Identifiers: ClinVar variation 1739392 (VCV001739392.2), dbSNP rs961833418, ClinGen allele CA263629506.